The following is an entry in ClinVar:

NM_001458.5(FLNC):c.5455G>A (p.Asp1819Asn)

Genes: FLNC-AS1 (FLNC antisense RNA 1; minus strand), FLNC (filamin C; plus strand). Cytogenetic location: 7q32.1.
Variant type: single nucleotide variant.
Coding change: c.5455G>A on transcript NM_001458.5 (MANE Select); coding-DNA position 5455, G replaced by A.
Protein change: p.Asp1819Asn; replaces aspartic acid 1819 with asparagine.
Molecular consequence: missense variant.
Genome position (GRCh38, 1-based): chr7:128,850,859, G>A. VCF-style: chr7-128850859-G-A. GRCh37 (hg19) VCF-style: chr7-128490913-G-A.
Other names: c.5356G>A, p.Asp1786Asn (NM_001127487.2); short protein forms D1786N, D1819N.
Identifiers: ClinVar variation 1026371 (VCV001026371.9), dbSNP rs1808778177, ClinGen allele CA369206724.
Genomic context (GRCh38, chr7:128,850,859, plus strand): 5'-GCAGGAGAGGTGCGGATGCCCTCGGGGAAGACGGCACGGCCCAACATCACCGACAACAAG[G>A]ACGGCACCATCACGGTGAGGTATGCACCCACTGAGAAAGGCCTGCACCAGATGGGGATCA-3'
Protein context (NP_001449.3, residues 1809-1829): TARPNITDNK[Asp1819Asn]GTITVRYAPT

ClinVar aggregate classification (germline): Uncertain significance (1 of 4 stars; one submission).

Conditions:
Myofibrillar myopathy 5. Also called: Filaminopathy (type); FILAMINOPATHY, AUTOSOMAL DOMINANT. Identifiers: Orphanet 171445, MedGen C1836050, MONDO:0012289, OMIM 609524.
Distal myopathy with posterior leg and anterior hand involvement. Also called: WILLIAMS DISTAL MYOPATHY. Identifiers: Orphanet 63273, MedGen C3279722, MONDO:0013550, OMIM 614065.
Hypertrophic cardiomyopathy 26. Also called: Cardiomyopathy, familial hypertrophic, 26. Identifiers: Orphanet 75249, MedGen C4310749, MONDO:0014883, OMIM 617047.

gnomAD v4.1: 1 of 1,613,706 alleles (0.000062%); no homozygotes.

Submission:

Labcorp Genetics (formerly Invitae), Labcorp
Classification: Uncertain significance for Distal myopathy with posterior leg and anterior hand involvement; Myofibrillar myopathy 5; Hypertrophic cardiomyopathy 26. Last evaluated: 2020-08-25. Review status: criteria provided, single submitter. Criteria: Invitae Variant Classification Sherloc (09022015). Collection method: clinical testing. Allele origin: germline.
Comment: This variant is not present in population databases (ExAC no frequency). This sequence change replaces aspartic acid with asparagine at codon 1819 of the FLNC protein (p.Asp1819Asn). The aspartic acid residue is highly conserved and there is a small physicochemical difference between aspartic acid and asparagine. This variant has not been reported in the literature in individuals with FLNC-related conditions. Algorithms developed to predict the effect of missense changes on protein structure and function are either unavailable or do not agree on the potential impact of this missense change (SIFT: "Deleterious"; PolyPhen-2: "Probably Damaging"; Align-GVGD: "Class C0"). In summary, the available evidence is currently insufficient to determine the role of this variant in disease. Therefore, it has been classified as a Variant of Uncertain Significance.